The following is an entry in ClinVar:

ClinVar aggregate classification (germline): Uncertain significance (1 of 4 stars; one submission).

Conditions:
Mucopolysaccharidosis, MPS-IV-A (MPS4A). Also called: MORQUIO SYNDROME A; MPS IVA; GALACTOSAMINE-6-SULFATASE DEFICIENCY; GALNS DEFICIENCY; MORQUIO A DISEASE; mucopolysaccharidosis type 4A. Identifiers: Orphanet 309297, Orphanet 582, MedGen C0086651, MONDO:0009659, OMIM 253000.

Allele frequency attached by ClinVar (database versions not stated): TOPMed below 0.00001.
gnomAD v4.1: 3 of 1,613,248 alleles (0.00019%); highest among the groups gnomAD compares: Non-Finnish European, 0.00017%; no homozygotes.

Submission:

Labcorp Genetics (formerly Invitae), Labcorp
Classification: Uncertain significance for Mucopolysaccharidosis, MPS-IV-A. Last evaluated: 2021-09-01. Review status: criteria provided, single submitter. Criteria: Invitae Variant Classification Sherloc (09022015). Collection method: clinical testing. Allele origin: germline.
Comment: This sequence change replaces glutamic acid with glutamine at codon 126 of the GALNS protein (p.Glu126Gln). The glutamic acid residue is moderately conserved and there is a small physicochemical difference between glutamic acid and glutamine. This variant is not present in population databases (ExAC no frequency). This variant has not been reported in the literature in individuals affected with GALNS-related conditions. Algorithms developed to predict the effect of missense changes on protein structure and function output the following: SIFT: "Tolerated"; PolyPhen-2: "Benign"; Align-GVGD: "Class C0". The glutamine amino acid residue is found in multiple mammalian species, which suggests that this missense change does not adversely affect protein function. In summary, the available evidence is currently insufficient to determine the role of this variant in disease. Therefore, it has been classified as a Variant of Uncertain Significance.

NM_000512.5(GALNS):c.376G>C (p.Glu126Gln)

Gene: GALNS (galactosamine (N-acetyl)-6-sulfatase; minus strand). Cytogenetic location: 16q24.3.
Variant type: single nucleotide variant.
Coding change: c.376G>C on transcript NM_000512.5 (MANE Select); coding-DNA position 376, G replaced by C.
Protein change: p.Glu126Gln; replaces glutamic acid 126 with glutamine.
Molecular consequence: missense variant. On other transcripts: 5 prime UTR variant (1).
Genome position (GRCh38, 1-based): chr16:88,841,038, C>G on the plus strand (G>C on the coding strand, the complement: GALNS is on the minus strand). VCF-style: chr16-88841038-C-G. GRCh37 (hg19) VCF-style: chr16-88907446-C-G.
Other names: c.-180G>C (NM_001323543.2); c.394G>C, p.Glu132Gln (NM_001323544.2); short protein forms E132Q, E126Q.
Identifiers: ClinVar variation 638854 (VCV000638854.6), dbSNP rs1177468816, ClinGen allele CA397087970.